The following is an entry in ClinVar:

NM_001376.5(DYNC1H1):c.9293C>G (p.Ser3098Cys)

Genes: DYNC1H1 (dynein cytoplasmic 1 heavy chain 1; plus strand), LOC126862060 (BRD4-independent group 4 enhancer GRCh37_chr14:102493659-102494858; plus strand). Cytogenetic location: 14q32.31.
Variant type: single nucleotide variant.
Coding change: c.9293C>G on transcript NM_001376.5 (MANE Select); coding-DNA position 9293, C replaced by G.
Protein change: p.Ser3098Cys; replaces serine 3098 with cysteine.
Molecular consequence: missense variant.
Genome position (GRCh38, 1-based): chr14:102,027,966, C>G. VCF-style: chr14-102027966-C-G. GRCh37 (hg19) VCF-style: chr14-102494303-C-G.
Other names: short protein forms S3098C.
Identifiers: ClinVar variation 4795695 (VCV004795695.1).
Genomic context (GRCh38, chr14:102,027,966, plus strand): 5'-AGCTGTCCTGAAACATGGGCCTCTTTCTCAGGTGTGTGTTGAATTGGTTTGGAGACTGGT[C>G]CACCGAAGCACTGTATCAGGTTGGCAAAGAATTCACAAGTAAGATGGATCTGGAGAAGCC-3'
Protein context (NP_001367.2, residues 3088-3108): RCVLNWFGDW[Ser3098Cys]TEALYQVGKE

ClinVar aggregate classification (germline): Uncertain significance (1 of 4 stars; one submission).

Submission:

GeneDx
Classification: Uncertain significance. Last evaluated: 2025-08-13. Review status: criteria provided, single submitter. Criteria: GeneDx Variant Classification Process June 2021. Collection method: clinical testing. Allele origin: germline. Affected: yes.
Comment: Not observed at significant frequency in large population cohorts (gnomAD); In silico analysis supports that this missense variant has a deleterious effect on protein structure/function; Has not been previously published as pathogenic or benign to our knowledge